The following is an entry in ClinVar:

NM_001105206.3(LAMA4):c.3921C>A (p.Tyr1307Ter)

Gene: LAMA4 (laminin subunit alpha 4; minus strand). Cytogenetic location: 6q21.
Variant type: single nucleotide variant.
Coding change: c.3921C>A on transcript NM_001105206.3 (MANE Select); coding-DNA position 3921, C replaced by A.
Protein change: p.Tyr1307Ter; replaces tyrosine 1307 with a stop codon.
Molecular consequence: nonsense.
Genome position (GRCh38, 1-based): chr6:112,131,015, G>T on the plus strand (C>A on the coding strand, the complement: LAMA4 is on the minus strand). VCF-style: chr6-112131015-G-T. GRCh37 (hg19) VCF-style: chr6-112452217-G-T.
Other names: c.3900C>A (LRG_433t2); c.3900C>A, p.Tyr1300Ter (NM_001105207.3, NM_002290.5); short protein forms Y1300*, Y1307*.
Identifiers: ClinVar variation 426585 (VCV000426585.6), dbSNP rs782630776, ClinGen allele CA3965097.
Genomic context (GRCh38, chr6:112,131,015, plus strand): 5'-TGAGGAGCTATACCTTGTGGGTGAGACAGAGCTAATGACGAAGTGGGACAGCCCATCATT[G>T]TACTGCTTATCTACTGACTGAACTTTGATTCCCTTTACATCCATGATGACAGTACCATTA-3'

ClinVar aggregate classification (germline): Uncertain significance. Review status: criteria provided, multiple submitters, no conflicts (2 of 4 stars). 3 submissions from 3 submitters: Uncertain significance (3). Last evaluated 2025-11-12.

Conditions:
Dilated cardiomyopathy 1JJ (CMD1JJ). Identifiers: Orphanet 154, MedGen C3808935, MONDO:0014095, OMIM 615235.
Cardiovascular phenotype. Identifiers: MedGen CN230736.

Allele frequency attached by ClinVar (database versions not stated): gnomAD exomes below 0.00001 and 0.00001; ExAC 0.00002; gnomAD 0.00003 and 0.00004; TOPMed 0.00003.
gnomAD v4.1: 9 of 1,612,920 alleles (0.00056%); highest among the groups gnomAD compares: African/African-American, 0.011%; no homozygotes.

Submissions (3):

Labcorp Genetics (formerly Invitae), Labcorp
Classification: Uncertain significance for Dilated cardiomyopathy 1JJ. Last evaluated: 2025-11-12. Review status: criteria provided, single submitter. Criteria: Invitae Variant Classification Sherloc (09022015). Collection method: clinical testing. Allele origin: germline.
Comment: This sequence change creates a premature translational stop signal (p.Tyr1300*) in the LAMA4 gene. It is expected to result in an absent or disrupted protein product. However, the current clinical and genetic evidence is not sufficient to establish whether loss-of-function variants in LAMA4 cause disease. This variant is present in population databases (rs782630776, gnomAD 0.01%). This variant has not been reported in the literature in individuals affected with LAMA4-related conditions. ClinVar contains an entry for this variant (Variation ID: 426585). Algorithms developed to predict the effect of sequence changes on RNA splicing suggest that this variant may disrupt the consensus splice site. In summary, the available evidence is currently insufficient to determine the role of this variant in disease. Therefore, it has been classified as a Variant of Uncertain Significance.

Ambry Genetics
Classification: Uncertain significance for Cardiovascular phenotype. Last evaluated: 2021-12-07. Review status: criteria provided, single submitter. Criteria: Ambry Variant Classification Scheme 2023. Collection method: clinical testing. Allele origin: germline.
Comment: The p.Y1300* variant (also known as c.3900C>A), located in coding exon 28 of the LAMA4 gene, results from a C to A substitution at nucleotide position 3900. This changes the amino acid from a tyrosine to a stop codon within coding exon 28. This alteration is expected to result in loss of function by premature protein truncation or nonsense-mediated mRNA decay. However, the evidence for this gene-disease relationship is limited; therefore, the clinical significance of this alteration is unclear.

GeneDx
Classification: Uncertain significance. Last evaluated: 2017-04-11. Review status: criteria provided, single submitter. Criteria: GeneDx Variant Classification (06012015). Collection method: clinical testing. Allele origin: germline. Affected: yes.
Comment: A variant of uncertain significance has been identified in the LAMA4 gene. The Y1300X variant has not been published as pathogenic or been reported as benign to our knowledge. This variant is not observed at a significant frequency in large population cohorts (Lek et al., 2016; 1000 Genomes Consortium et al., 2015; Exome Variant Server). The Y1300X variant is predicted to cause loss of normal protein function either by protein truncation or nonsense-mediated mRNA decay. However, only one other nonsense variant in the LAMA4 gene have been reported in Human Gene Mutation Database in association with DCM (Stenson et al., 2014), indicating there is not enough evidence supporting haploinsufficiency is a disease mechanism for LAMA4-related disorder.